The following is an entry in ClinVar:

ClinVar aggregate classification (germline): Uncertain significance (1 of 4 stars; one submission).

Conditions:
Hypertrophic cardiomyopathy 19. Also called: Familial hypertrophic cardiomyopathy 19. Identifiers: MedGen CN077603, MONDO:0013476.

Allele frequency attached by ClinVar (database versions not stated): ExAC 0.00001.
gnomAD v4.1: 46 of 1,613,850 alleles (0.0029%); highest among the groups gnomAD compares: African/African-American, 0.004%; no homozygotes.

Submission:

Labcorp Genetics (formerly Invitae), Labcorp
Classification: Uncertain significance for Hypertrophic cardiomyopathy 19. Last evaluated: 2025-11-18. Review status: criteria provided, single submitter. Criteria: Invitae Variant Classification Sherloc (09022015). Collection method: clinical testing. Allele origin: germline.
Comment: This sequence change replaces threonine, which is neutral and polar, with methionine, which is neutral and non-polar, at codon 209 of the CALR3 protein (p.Thr209Met). This variant is present in population databases (rs746871999, gnomAD 0.008%). This missense change has been observed in individual(s) with hypertrophic cardiomyopathy (PMID: 29988065). ClinVar contains an entry for this variant (Variation ID: 639436). Invitae Evidence Modeling of protein sequence and biophysical properties (such as structural, functional, and spatial information, amino acid conservation, physicochemical variation, residue mobility, and thermodynamic stability) indicates that this missense variant is not expected to disrupt CALR3 protein function with a negative predictive value of 80%. In summary, the available evidence is currently insufficient to determine the role of this variant in disease. Therefore, it has been classified as a Variant of Uncertain Significance.

Literature cited by the submitters: PubMed 29988065.

NM_145046.5(CALR3):c.626C>T (p.Thr209Met)

Gene: CALR3 (calreticulin 3; minus strand). Cytogenetic location: 19p13.11.
Variant type: single nucleotide variant.
Coding change: c.626C>T on transcript NM_145046.5 (MANE Select); coding-DNA position 626, C replaced by T.
Protein change: p.Thr209Met; replaces threonine 209 with methionine.
Molecular consequence: missense variant.
Genome position (GRCh38, 1-based): chr19:16,483,982, G>A on the plus strand (C>T on the coding strand, the complement: CALR3 is on the minus strand). VCF-style: chr19-16483982-G-A. GRCh37 (hg19) VCF-style: chr19-16594793-G-A.
Other names: short protein forms T209M.
Identifiers: ClinVar variation 639436 (VCV000639436.11), dbSNP rs746871999, ClinGen allele CA9278339.